The following is an entry in ClinVar:

ClinVar aggregate classification (germline): Uncertain significance (1 of 4 stars; one submission).

Submission:

Labcorp Genetics (formerly Invitae), Labcorp
Classification: Uncertain significance. Last evaluated: 2022-11-01. Review status: criteria provided, single submitter. Criteria: Invitae Variant Classification Sherloc (09022015). Collection method: clinical testing. Allele origin: germline.
Comment: This sequence change replaces valine, which is neutral and non-polar, with phenylalanine, which is neutral and non-polar, at codon 825 of the PDE6C protein (p.Val825Phe). This variant is not present in population databases (gnomAD no frequency). This variant has not been reported in the literature in individuals affected with PDE6C-related conditions. ClinVar contains an entry for this variant (Variation ID: 856263). Algorithms developed to predict the effect of missense changes on protein structure and function (SIFT, PolyPhen-2, Align-GVGD) all suggest that this variant is likely to be tolerated. In summary, the available evidence is currently insufficient to determine the role of this variant in disease. Therefore, it has been classified as a Variant of Uncertain Significance.

NM_006204.4(PDE6C):c.2473G>T (p.Val825Phe)

Gene: PDE6C (phosphodiesterase 6C; plus strand). Cytogenetic location: 10q23.33.
Variant type: single nucleotide variant.
Coding change: c.2473G>T on transcript NM_006204.4 (MANE Select); coding-DNA position 2473, G replaced by T.
Protein change: p.Val825Phe; replaces valine 825 with phenylalanine.
Molecular consequence: missense variant.
Genome position (GRCh38, 1-based): chr10:93,663,133, G>T. VCF-style: chr10-93663133-G-T. GRCh37 (hg19) VCF-style: chr10-95422890-G-T.
Other names: short protein forms V825F.
Identifiers: ClinVar variation 856263 (VCV000856263.9), dbSNP rs757548896, ClinGen allele CA377629553.